The following is an entry in ClinVar:

ClinVar aggregate classification (germline): Uncertain significance (1 of 4 stars; one submission).

Submission:

GeneDx
Classification: Uncertain significance. Last evaluated: 2023-06-05. Review status: criteria provided, single submitter. Criteria: GeneDx Variant Classification Process June 2021. Collection method: clinical testing. Allele origin: germline. Affected: yes.
Comment: Not observed at significant frequency in large population cohorts (gnomAD); In silico analysis supports that this missense variant does not alter protein structure/function; Has not been previously published as pathogenic or benign to our knowledge

NM_001287491.2(TET3):c.3879C>A (p.Asn1293Lys)

Gene: TET3 (tet methylcytosine dioxygenase 3; plus strand). Cytogenetic location: 2p13.1.
Variant type: single nucleotide variant.
Coding change: c.3879C>A on transcript NM_001287491.2 (MANE Select); coding-DNA position 3879, C replaced by A.
Protein change: p.Asn1293Lys; replaces asparagine 1293 with lysine.
Molecular consequence: missense variant.
Genome position (GRCh38, 1-based): chr2:74,100,667, C>A. VCF-style: chr2-74100667-C-A. GRCh37 (hg19) VCF-style: chr2-74327794-C-A.
Other names: c.3600C>A, p.Asn1200Lys (NM_001366022.1); short protein forms N1200K, N1293K.
Identifiers: ClinVar variation 3359490 (VCV003359490.1).
Genomic context (GRCh38, chr2:74,100,667, plus strand): 5'-TGGCTTCCACTCCAAGTACGCTCTCCCGTCTTTTAGCTACTATGGCTTTCCATCCAGCAA[C>A]CCCGTCTTCCCCTCTCAGTTCCTGGGTCCTGGTGCCTGGGGGCACAGTGGCAGCAGTGGC-3'
Protein context (NP_001274420.1, residues 1283-1303): SFSYYGFPSS[Asn1293Lys]PVFPSQFLGP